The following is an entry in ClinVar:

ClinVar aggregate classification (germline): Likely benign. Review status: criteria provided, multiple submitters, no conflicts (2 of 4 stars). 2 submissions from 2 submitters: Likely benign (2). Last evaluated 2018-06-19.

Allele frequency attached by ClinVar (database versions not stated): gnomAD 0.01019; TOPMed 0.01142; 1000 Genomes Project 0.01258; 1000 Genomes Project 30x 0.01312.
gnomAD v4.1: 3,355 of 1,353,796 alleles (0.25%); highest among the groups gnomAD compares: African/African-American, 3.5%; 56 homozygotes.

Submissions (2):

GeneDx
Classification: Likely benign. Last evaluated: 2018-06-19. Review status: criteria provided, single submitter. Criteria: GeneDx Variant Classification (06012015). Collection method: clinical testing. Allele origin: germline. Affected: yes.
Comment: This variant is considered likely benign or benign based on one or more of the following criteria: it is a conservative change, it occurs at a poorly conserved position in the protein, it is predicted to be benign by multiple in silico algorithms, and/or has population frequency not consistent with disease.

Breakthrough Genomics
Classification: Likely benign. Review status: criteria provided, single submitter. Criteria: ACMG Guidelines, 2015. Collection method: not provided. Allele origin: germline. Inheritance: Autosomal dominant inheritance. Affected: yes.

NM_001105206.3(LAMA4):c.4475+74G>T

Gene: LAMA4 (laminin subunit alpha 4; minus strand). Cytogenetic location: 6q21.
Variant type: single nucleotide variant.
Coding change: c.4475+74G>T on transcript NM_001105206.3 (MANE Select); 74 bases into the intron after coding-DNA position 4475, G replaced by T.
Molecular consequence: intron variant.
Genome position (GRCh38, 1-based): chr6:112,121,940, C>A on the plus strand (G>T on the coding strand, the complement: LAMA4 is on the minus strand). VCF-style: chr6-112121940-C-A. GRCh37 (hg19) VCF-style: chr6-112443143-C-A.
Other names: c.4454+74G>T (NM_002290.5, NM_001105207.3).
Identifiers: ClinVar variation 673730 (VCV000673730.2), dbSNP rs80288537, ClinGen allele CA144883526.